The following is an entry in ClinVar:

NM_000094.4(COL7A1):c.5264G>A (p.Gly1755Asp)

Gene: COL7A1 (collagen type VII alpha 1 chain; minus strand). Cytogenetic location: 3p21.31.
Variant type: single nucleotide variant.
Coding change: c.5264G>A on transcript NM_000094.4 (MANE Select); coding-DNA position 5264, G replaced by A.
Protein change: p.Gly1755Asp; replaces glycine 1755 with aspartic acid.
Molecular consequence: missense variant.
Genome position (GRCh38, 1-based): chr3:48,579,487, C>T on the plus strand (G>A on the coding strand, the complement: COL7A1 is on the minus strand). VCF-style: chr3-48579487-C-T. GRCh37 (hg19) VCF-style: chr3-48616920-C-T.
Other names: short protein forms G1755D.
Identifiers: ClinVar variation 1217102 (VCV001217102.7), dbSNP rs2107698800, ClinGen allele CA352676647.
Genomic context (GRCh38, chr3:48,579,487, plus strand): 5'-AGAGGTGAGGGTAAGATGGGGACTTGGCAGACGGGGCAAAGTGCATCACTCACCTGTGGG[C>T]CTGGGGGTCCCCGAAACCCTTCAATGCCCTGAGGATAGGGGAGGAAGAAATCAGAGCAGG-3'
Protein context (NP_000085.1, residues 1745-1765): RGIEGFRGPP[Gly1755Asp]PQGDPGVRGP

ClinVar aggregate classification (germline): Pathogenic. Review status: criteria provided, multiple submitters, no conflicts (2 of 4 stars). 2 submissions from 2 submitters: Pathogenic (2). Last evaluated 2024-10-27.

Submissions (2):

Labcorp Genetics (formerly Invitae), Labcorp
Classification: Pathogenic. Last evaluated: 2024-10-27. Review status: criteria provided, single submitter. Criteria: Invitae Variant Classification Sherloc (09022015). Collection method: clinical testing. Allele origin: germline.
Comment: This sequence change replaces glycine, which is neutral and non-polar, with aspartic acid, which is acidic and polar, at codon 1755 of the COL7A1 protein (p.Gly1755Asp). This variant is not present in population databases (gnomAD no frequency). This missense change has been observed in individual(s) with autosomal dominant dystrophic epidermolysis bullosa (PMID: 16271705). In at least one individual the variant was observed to be de novo. ClinVar contains an entry for this variant (Variation ID: 1217102). Invitae Evidence Modeling of protein sequence and biophysical properties (such as structural, functional, and spatial information, amino acid conservation, physicochemical variation, residue mobility, and thermodynamic stability) indicates that this missense variant is expected to disrupt COL7A1 protein function with a positive predictive value of 95%. This variant disrupts the triple helix domain of COL7A1. Glycine residues within the Gly-Xaa-Yaa repeats of the triple helix domain are required for the structure and stability of fibrillar collagens (PMID: 7695699, 8218237, 19344236), and variants at these glycine residues in COL7A1 are more frequently observed in individuals with disease than in the general population (PMID: 22058051). However, the clinical significance of this observation remains uncertain since only a limited number of affected individuals have been described to date. For these reasons, this variant has been classified as Pathogenic.

GeneDx
Classification: Pathogenic. Last evaluated: 2022-03-04. Review status: criteria provided, single submitter. Criteria: GeneDx Variant Classification Process June 2021. Collection method: clinical testing. Allele origin: germline. Affected: yes.
Comment: Located in the highly conserved Gly-X-Y repeat of the collagenous domain; Glycine substitution variants in this region of the COLVII protein destabilize the collagen triple helix resulting in skin fragility due to poor anchoring of the basement membrane to the underlying dermis (Pfendner and Lucky, 2018); Not observed at significant frequency in large population cohorts (gnomAD); In silico analysis supports that this missense variant has a deleterious effect on protein structure/function; This variant is associated with the following publications: (PMID: 18558993, 25425313, 16271705, 21448560, 25525159, 19681861, 16965329, 21269315, 18565177, 27899325)

Literature cited by the submitters: PubMed 16271705 (cited by Labcorp Genetics (formerly Invitae), Labcorp); PubMed 7695699 (cited by Labcorp Genetics (formerly Invitae), Labcorp); PubMed 8218237 (cited by Labcorp Genetics (formerly Invitae), Labcorp); PubMed 19344236 (cited by Labcorp Genetics (formerly Invitae), Labcorp); PubMed 22058051 (cited by Labcorp Genetics (formerly Invitae), Labcorp).